The following is an entry in ClinVar:

ClinVar aggregate classification (germline): Uncertain significance. Review status: criteria provided, multiple submitters, no conflicts (2 of 4 stars). 3 submissions from 3 submitters: Uncertain significance (3). Last evaluated 2025-11-11.

Conditions:
Hereditary cancer-predisposing syndrome. Also called: Neoplastic Syndromes, Hereditary; Hereditary Cancer Syndrome; Hereditary neoplastic syndrome; Tumor predisposition. Identifiers: Orphanet 140162, MedGen C0027672, MeSH D009386, MONDO:0015356.
Familial cancer of breast. Also called: BREAST CANCER, FAMILIAL; Hereditary breast cancer; hereditary breast carcinoma. Identifiers: Orphanet 227535, MedGen C0346153, MONDO:0016419, OMIM 114480. Disease mechanism: loss of function.

Allele frequency attached by ClinVar (database versions not stated): TOPMed below 0.00001; gnomAD 0.00001.

Submissions (3):

Ambry Genetics
Classification: Uncertain significance for Hereditary cancer-predisposing syndrome. Last evaluated: 2025-11-11. Review status: criteria provided, single submitter. Criteria: Ambry Variant Classification Scheme 2023. Collection method: clinical testing. Allele origin: germline.
Comment: The p.C231Y variant (also known as c.692G>A), located in coding exon 5 of the CHEK2 gene, results from a G to A substitution at nucleotide position 692. The cysteine at codon 231 is replaced by tyrosine, an amino acid with highly dissimilar properties. This alteration was identified in 1/1207 cases of French women diagnosed with breast cancer who had a sister with breast cancer and were BRCA1 and BRCA2 negative and 0/1199 general population controls (Girard E et al. Int J Cancer, 2019 04;144:1962-1974). This amino acid position is highly conserved in available vertebrate species. In addition, this alteration is predicted to be deleterious by in silico analysis. Since supporting evidence is limited at this time, the clinical significance of this alteration remains unclear.

Labcorp Genetics (formerly Invitae), Labcorp
Classification: Uncertain significance for Familial cancer of breast. Last evaluated: 2025-08-25. Review status: criteria provided, single submitter. Criteria: Invitae Variant Classification Sherloc (09022015). Collection method: clinical testing. Allele origin: germline.
Comment: This sequence change replaces cysteine, which is neutral and slightly polar, with tyrosine, which is neutral and polar, at codon 231 of the CHEK2 protein (p.Cys231Tyr). This variant is not present in population databases (gnomAD no frequency). This missense change has been observed in individual(s) with clinical features of CHEK2-related conditions (PMID: 30303537). ClinVar contains an entry for this variant (Variation ID: 460851). An algorithm developed to predict the effect of missense changes on protein structure and function (PolyPhen-2) suggests that this variant is likely to be disruptive. In summary, the available evidence is currently insufficient to determine the role of this variant in disease. Therefore, it has been classified as a Variant of Uncertain Significance.

Color Diagnostics, LLC DBA Color Health
Classification: Uncertain significance for Hereditary cancer-predisposing syndrome. Last evaluated: 2024-06-14. Review status: criteria provided, single submitter. Criteria: ACMG Guidelines, 2015. Collection method: clinical testing. Allele origin: germline.
Comment: This missense variant replaces cysteine with tyrosine at codon 231 of the CHEK2 protein. Computational prediction suggests that this variant may not impact protein structure and function (internally defined REVEL score threshold <= 0.5, PMID: 27666373). To our knowledge, functional studies have not been reported for this variant. This variant has been reported in 1/1207 cases and 0/1199 unaffected controls in a breast cancer study, with affected individuals consisting of women that were negative for a BRCA1 or BRCA2 genetic variant and who had a sister also affected with breast cancer (PMID: 30303537). This variant has not been identified in the general population by the Genome Aggregation Database (gnomAD). The available evidence is insufficient to determine the role of this variant in disease conclusively. Therefore, this variant is classified as a Variant of Uncertain Significance.

Literature cited by the submitters: PubMed 30303537 (cited by 3 submitters).

NM_007194.4(CHEK2):c.692G>A (p.Cys231Tyr)

Gene: CHEK2 (checkpoint kinase 2; minus strand). Cytogenetic location: 22q12.1.
Variant type: single nucleotide variant.
Coding change: c.692G>A on transcript NM_007194.4 (MANE Select); coding-DNA position 692, G replaced by A.
Protein change: p.Cys231Tyr; replaces cysteine 231 with tyrosine.
Molecular consequence: missense variant.
Genome position (GRCh38, 1-based): chr22:28,712,009, C>T on the plus strand (G>A on the coding strand, the complement: CHEK2 is on the minus strand). VCF-style: chr22-28712009-C-T. GRCh37 (hg19) VCF-style: chr22-29107997-C-T.
Other names: c.821G>A, p.Cys274Tyr (NM_001005735.3); c.29G>A, p.Cys10Tyr (NM_001257387.3); c.491G>A, p.Cys164Tyr (NM_001349956.3); c.692G>A, p.Cys231Tyr (NM_145862.3); short protein forms C231Y, C274Y, C10Y, C164Y.
Identifiers: ClinVar variation 460851 (VCV000460851.15), dbSNP rs1555921335, ClinGen allele CA411103495.
Genomic context (GRCh38, chr22:28,712,009, plus strand): 5'-ATGATCTTTATGGCTACTTTCTTACATGTTTTCCTCTCGAAAGCCAGCTTTACCTCTCCA[C>T]AGGCACCACTAGAGGGAAAAACAAAGATAGTGATTGTCTGAATGTTTTTAATTATGAGAC-3'
Protein context (NP_009125.1, residues 221-241): IMSKTLGSGA[Cys231Tyr]GEVKLAFERK